The following is an entry in ClinVar:

ClinVar aggregate classification (germline): Uncertain significance (1 of 4 stars; one submission).

Submission:

Ambry Genetics
Classification: Uncertain significance. Last evaluated: 2021-08-09. Review status: criteria provided, single submitter. Criteria: Ambry Variant Classification Scheme 2023. Collection method: clinical testing. Allele origin: germline.
Comment: The p.T133I variant (also known as c.398C>T), located in coding exon 3 of the BUB3 gene, results from a C to T substitution at nucleotide position 398. The threonine at codon 133 is replaced by isoleucine, an amino acid with similar properties. This amino acid position is conserved. In addition, the in silico prediction for this alteration is inconclusive. Since supporting evidence is limited at this time, the clinical significance of this alteration remains unclear.

NM_004725.4(BUB3):c.398C>T (p.Thr133Ile)

Gene: BUB3 (BUB3 mitotic checkpoint protein; plus strand). Cytogenetic location: 10q26.13.
Variant type: single nucleotide variant.
Coding change: c.398C>T on transcript NM_004725.4 (MANE Select); coding-DNA position 398, C replaced by T.
Protein change: p.Thr133Ile; replaces threonine 133 with isoleucine.
Molecular consequence: missense variant.
Genome position (GRCh38, 1-based): chr10:123,157,861, C>T. VCF-style: chr10-123157861-C-T. GRCh37 (hg19) VCF-style: chr10-124917377-C-T.
Other names: c.398C>T, p.Thr133Ile (NM_001007793.3); short protein forms T133I.
Identifiers: ClinVar variation 1736757 (VCV001736757.2), dbSNP rs2493759997, ClinGen allele CA378625628.
Genomic context (GRCh38, chr10:123,157,861, plus strand): 5'-CTGGAAGTTGGGATCAGACAGTTAAACTGTGGGATCCCAGAACTCCTTGTAATGCTGGGA[C>T]CTTCTCTCAGCCTGAAAAGGTAGGCTCTTTATATTCATTGCAGGAGTTGATGGTTTTGGG-3'
Protein context (NP_004716.1, residues 123-143): WDPRTPCNAG[Thr133Ile]FSQPEKVYTL